The following is an entry in ClinVar:

NM_002519.3(NPAT):c.3227C>G (p.Thr1076Arg)

Gene: NPAT (nuclear protein, coactivator of histone transcription; minus strand). Cytogenetic location: 11q22.3.
Variant type: single nucleotide variant.
Coding change: c.3227C>G on transcript NM_002519.3 (MANE Select); coding-DNA position 3227, C replaced by G.
Protein change: p.Thr1076Arg; replaces threonine 1076 with arginine.
Molecular consequence: missense variant.
Genome position (GRCh38, 1-based): chr11:108,161,859, G>C on the plus strand (C>G on the coding strand, the complement: NPAT is on the minus strand). VCF-style: chr11-108161859-G-C. GRCh37 (hg19) VCF-style: chr11-108032586-G-C.
Other names: c.3248C>G, p.Thr1083Arg (NM_001321307.1); short protein forms T1076R, T1083R.
Identifiers: ClinVar variation 1729135 (VCV001729135.2), dbSNP rs574403547, ClinGen allele CA6263614.

ClinVar aggregate classification (germline): Uncertain significance (1 of 4 stars; one submission).

gnomAD v4.1: 2 of 1,614,056 alleles (0.00012%); highest among the groups gnomAD compares: Non-Finnish European, 0.000085%; no homozygotes.

Submission:

Ambry Genetics
Classification: Uncertain significance. Last evaluated: 2022-04-22. Review status: criteria provided, single submitter. Criteria: Ambry Variant Classification Scheme 2023. Collection method: clinical testing. Allele origin: germline.
Comment: The p.T1076R variant (also known as c.3227C>G), located in coding exon 17 of the NPAT gene, results from a C to G substitution at nucleotide position 3227. The threonine at codon 1076 is replaced by arginine, an amino acid with similar properties. This amino acid position is conserved. In addition, this alteration is predicted to be tolerated by in silico analysis. Since supporting evidence is limited at this time, the clinical significance of this alteration remains unclear.